The following is an entry in ClinVar:

ClinVar aggregate classification (germline): Uncertain significance (1 of 4 stars; one submission).

Allele frequency attached by ClinVar (database versions not stated): gnomAD 0.00001; TOPMed 0.00001.
gnomAD v4.1: 6 of 1,609,724 alleles (0.00037%); highest among the groups gnomAD compares: African/African-American, 0.0013%; no homozygotes.

Submission:

Labcorp Genetics (formerly Invitae), Labcorp
Classification: Uncertain significance. Last evaluated: 2025-06-25. Review status: criteria provided, single submitter. Criteria: Invitae Variant Classification Sherloc (09022015). Collection method: clinical testing. Allele origin: germline.
Comment: This sequence change replaces aspartic acid, which is acidic and polar, with glutamic acid, which is acidic and polar, at codon 64 of the CARD8 protein (p.Asp64Glu). This variant is present in population databases (no rsID available, gnomAD 0.0009%). This variant has not been reported in the literature in individuals affected with CARD8-related conditions. ClinVar contains an entry for this variant (Variation ID: 1504942). An algorithm developed to predict the effect of missense changes on protein structure and function outputs the following: PolyPhen-2: "Benign". The glutamic acid amino acid residue is found in multiple mammalian species, which suggests that this missense change does not adversely affect protein function. In summary, the available evidence is currently insufficient to determine the role of this variant in disease. Therefore, it has been classified as a Variant of Uncertain Significance.

NM_001184900.3(CARD8):c.342C>A (p.Asp114Glu)

Gene: CARD8 (caspase recruitment domain family member 8; minus strand). Cytogenetic location: 19q13.33.
Variant type: single nucleotide variant.
Coding change: c.342C>A on transcript NM_001184900.3 (MANE Select); coding-DNA position 342, C replaced by A.
Protein change: p.Asp114Glu; replaces aspartic acid 114 with glutamic acid.
Molecular consequence: missense variant. On other transcripts: 5 prime UTR variant (1), non-coding transcript variant (4).
Genome position (GRCh38, 1-based): chr19:48,234,411, G>T on the plus strand (C>A on the coding strand, the complement: CARD8 is on the minus strand). VCF-style: chr19-48234411-G-T. GRCh37 (hg19) VCF-style: chr19-48737668-G-T.
Other names: c.192C>A, p.Asp64Glu (NM_001184901.1, NM_001351783.2, NM_001351788.2 and 2 more transcripts); c.342C>A, p.Asp114Glu (NM_001184902.2, NM_001184903.1, NM_001351782.2); c.68C>A, p.Thr23Lys (NM_001351784.2, NM_001351787.2, NM_001351791.2 and 2 more transcripts); c.-147C>A (NM_001351786.2); c.140C>A, p.Thr47Lys (NM_001351790.2); short protein forms T47K, T23K, D114E, D64E.
Identifiers: ClinVar variation 1504942 (VCV001504942.6), dbSNP rs1280184111, ClinGen allele CA406646860.
Genomic context (GRCh38, chr19:48,234,411, plus strand): 5'-TGATATTGAGACACAGCGTCCAATAGTTTTCCAACGGAATAGCTTTTCTTACCTGGGAAT[G>T]TCCCCCCCAGATAGTTGACACTCAGGAACAGCACGGAACAATAATGGCTCTGCCTCTGTC-3'
Protein context (NP_001171829.1, residues 104-124): AVPECQLSGG[Asp114Glu]IPSVSEEQES